The following is an entry in ClinVar:

NM_004448.4(ERBB2):c.1484A>C (p.His495Pro)

Gene: ERBB2 (erb-b2 receptor tyrosine kinase 2; plus strand). Cytogenetic location: 17q12.
Variant type: single nucleotide variant.
Coding change: c.1484A>C on transcript NM_004448.4 (MANE Select); coding-DNA position 1484, A replaced by C.
Protein change: p.His495Pro; replaces histidine 495 with proline.
Molecular consequence: missense variant. On other transcripts: non-coding transcript variant (1), intron variant (1).
Genome position (GRCh38, 1-based): chr17:39,715,910, A>C. VCF-style: chr17-39715910-A-C. GRCh37 (hg19) VCF-style: chr17-37872163-A-C.
Other names: c.1394A>C, p.His465Pro (NM_001005862.3, NM_001289938.2, NM_001382782.1 and 1 more transcripts); c.1439A>C, p.His480Pro (NM_001289936.2); c.1484A>C, p.His495Pro (NM_001289937.2, NM_001382785.1, NM_001382788.1 and 12 more transcripts); c.1601A>C, p.His534Pro (NM_001382784.1, NM_001382786.1); c.1559A>C, p.His520Pro (NM_001382787.1); c.1505A>C, p.His502Pro (NM_001382789.1); c.1475A>C, p.His492Pro (NM_001382791.1); c.1304A>C, p.His435Pro (NM_001382799.1); and 3 more; short protein forms H495P, H520P, H534P, H409P, H465P, H480P, H492P, H502P.
Identifiers: ClinVar variation 1479801 (VCV001479801.6), dbSNP rs879357054, ClinGen allele CA290430851.

ClinVar aggregate classification (germline): Uncertain significance (1 of 4 stars; one submission).

Allele frequency attached by ClinVar (database versions not stated): gnomAD exomes below 0.00001.
gnomAD v4.1: 3 of 1,611,552 alleles (0.00019%); highest among the groups gnomAD compares: Non-Finnish European, 0.00017%; no homozygotes.

Submission:

Labcorp Genetics (formerly Invitae), Labcorp
Classification: Uncertain significance. Last evaluated: 2021-10-28. Review status: criteria provided, single submitter. Criteria: Invitae Variant Classification Sherloc (09022015). Collection method: clinical testing. Allele origin: germline.
Comment: This sequence change replaces histidine, which is basic and polar, with proline, which is neutral and non-polar, at codon 495 of the ERBB2 protein (p.His495Pro). This variant is present in population databases (no rsID available, gnomAD 0.0009%). This variant has not been reported in the literature in individuals affected with ERBB2-related conditions. Algorithms developed to predict the effect of missense changes on protein structure and function (SIFT, PolyPhen-2, Align-GVGD) all suggest that this variant is likely to be tolerated. In summary, the available evidence is currently insufficient to determine the role of this variant in disease. Therefore, it has been classified as a Variant of Uncertain Significance.